The following is an entry in ClinVar:

ClinVar aggregate classification (germline): Uncertain significance (1 of 4 stars; one submission).

Conditions:
Developmental and epileptic encephalopathy, 12 (DEE12). Identifiers: MedGen C3150988, MONDO:0013389, OMIM 613722.

Allele frequency attached by ClinVar (database versions not stated): gnomAD exomes 0.00001; ExAC 0.00002.
gnomAD v4.1: 10 of 1,613,982 alleles (0.00062%); highest among the groups gnomAD compares: Admixed American, 0.0033%; no homozygotes.

Submissions (3):

Labcorp Genetics (formerly Invitae), Labcorp
Classification: Uncertain significance for Developmental and epileptic encephalopathy, 12. Last evaluated: 2022-07-05. Review status: criteria provided, single submitter. Criteria: Invitae Variant Classification Sherloc (09022015). Collection method: clinical testing. Allele origin: germline.
Comment: This sequence change falls in intron 2 of the PNKP gene. It does not directly change the encoded amino acid sequence of the PNKP protein. This variant is present in population databases (rs751424212, gnomAD 0.002%). This variant has not been reported in the literature in individuals affected with PNKP-related conditions. ClinVar contains an entry for this variant (Variation ID: 855853). Algorithms developed to predict the effect of sequence changes on RNA splicing suggest that this variant may disrupt the consensus splice site. In summary, the available evidence is currently insufficient to determine the role of this variant in disease. Therefore, it has been classified as a Variant of Uncertain Significance.

Dr. Peter K. Rogan Lab, Western University
No classification provided (evidence only). Condition: Uterine carcinosarcoma. Review status: no classification provided. Collection method: in vitro. Allele origin: not applicable. Functional consequence: skipped exon, retained intron. Not counted in ClinVar's aggregate classification.

MutSpliceDB: a database of splice sites variants effects on splicing, NIH
No classification provided (evidence only). Review status: no classification provided. Collection method: in vivo. Allele origin: not applicable. Functional consequence: retained intron. Not counted in ClinVar's aggregate classification.

NM_007254.4(PNKP):c.152-8A>G

Gene: PNKP (polynucleotide kinase 3'-phosphatase; minus strand). Cytogenetic location: 19q13.33.
Variant type: single nucleotide variant.
Coding change: c.152-8A>G on transcript NM_007254.4 (MANE Select); 8 bases into the intron before coding-DNA position 152, A replaced by G.
Molecular consequence: intron variant.
Genome position (GRCh38, 1-based): chr19:49,866,453, T>C on the plus strand (A>G on the coding strand, the complement: PNKP is on the minus strand). VCF-style: chr19-49866453-T-C. GRCh37 (hg19) VCF-style: chr19-50369710-T-C.
Other names: NM_007254.4:c.152-8A>G.
Identifiers: ClinVar variation 855853 (VCV000855853.11), dbSNP rs751424212, ClinGen allele CA9587032.